The following is an entry in ClinVar:

NM_000179.3(MSH6):c.439C>A (p.Leu147Ile)

Gene: MSH6 (mutS homolog 6; plus strand). Cytogenetic location: 2p16.3.
Variant type: single nucleotide variant.
Coding change: c.439C>A on transcript NM_000179.3 (MANE Select); coding-DNA position 439, C replaced by A.
Protein change: p.Leu147Ile; replaces leucine 147 with isoleucine.
Molecular consequence: missense variant. On other transcripts: 5 prime UTR variant (2), intron variant (1).
Genome position (GRCh38, 1-based): chr2:47,791,105, C>A. VCF-style: chr2-47791105-C-A. GRCh37 (hg19) VCF-style: chr2-48018244-C-A.
Other names: c.-298C>A (NM_001281493.2, NM_001406811.1, NM_001406823.1 and 1 more transcripts); c.-464C>A (NM_001281494.2); c.535C>A, p.Leu179Ile (NM_001406795.1, NM_001406802.1); c.439C>A, p.Leu147Ile (NM_001406796.1, NM_001406798.1, NM_001406800.1 and 6 more transcripts); c.142C>A, p.Leu48Ile (NM_001406797.1, NM_001406801.1, NM_001406805.1 and 10 more transcripts); c.361C>A, p.Leu121Ile (NM_001406804.1); c.-490C>A (NM_001406807.1); c.-556C>A (NM_001406814.1); and 2 more; short protein forms L147I, L48I, L91I, L121I, L179I.
Identifiers: ClinVar variation 1740276 (VCV001740276.2), dbSNP rs2104111618, ClinGen allele CA346737177.

ClinVar aggregate classification (germline): Uncertain significance (1 of 4 stars; one submission).

Conditions:
Hereditary cancer-predisposing syndrome. Also called: Hereditary Cancer Syndrome; Hereditary neoplastic syndrome; Neoplastic Syndromes, Hereditary; Tumor predisposition. Identifiers: Orphanet 140162, MedGen C0027672, MeSH D009386, MONDO:0015356.

Allele frequency attached by ClinVar (database versions not stated): gnomAD exomes below 0.00001.
gnomAD v4.1: 3 of 1,614,044 alleles (0.00019%); highest among the groups gnomAD compares: Non-Finnish European, 0.00025%; no homozygotes.

Submission:

Ambry Genetics
Classification: Uncertain significance for Hereditary cancer-predisposing syndrome. Last evaluated: 2021-08-16. Review status: criteria provided, single submitter. Criteria: Ambry Variant Classification Scheme 2023. Collection method: clinical testing. Allele origin: germline.
Comment: The p.L147I variant (also known as c.439C>A), located in coding exon 2 of the MSH6 gene, results from a C to A substitution at nucleotide position 439. The leucine at codon 147 is replaced by isoleucine, an amino acid with highly similar properties. This amino acid position is poorly conserved in available vertebrate species. In addition, this alteration is predicted to be tolerated by in silico analysis. Since supporting evidence is limited at this time, the clinical significance of this alteration remains unclear.